The following is an entry in ClinVar:

NM_033305.3(VPS13A):c.8189C>T (p.Ala2730Val)

Gene: VPS13A (vacuolar protein sorting 13 homolog A; plus strand). Cytogenetic location: 9q21.2.
Variant type: single nucleotide variant.
Coding change: c.8189C>T on transcript NM_033305.3 (MANE Select); coding-DNA position 8189, C replaced by T.
Protein change: p.Ala2730Val; replaces alanine 2730 with valine.
Molecular consequence: missense variant.
Genome position (GRCh38, 1-based): chr9:77,360,619, C>T. VCF-style: chr9-77360619-C-T. GRCh37 (hg19) VCF-style: chr9-79975535-C-T.
Other names: c.8072C>T, p.Ala2691Val (NM_001018037.2); c.8189C>T, p.Ala2730Val (NM_001018038.3, NM_015186.4); short protein forms A2691V, A2730V.
Identifiers: ClinVar variation 3703953 (VCV003703953.1).

ClinVar aggregate classification (germline): Uncertain significance (1 of 4 stars; one submission).

gnomAD v4.1: 4 of 1,611,934 alleles (0.00025%); highest among the groups gnomAD compares: East Asian, 0.009%; no homozygotes.

Submission:

Labcorp Genetics (formerly Invitae), Labcorp
Classification: Uncertain significance. Last evaluated: 2024-02-16. Review status: criteria provided, single submitter. Criteria: Invitae Variant Classification Sherloc (09022015). Collection method: clinical testing. Allele origin: germline.
Comment: This sequence change replaces alanine, which is neutral and non-polar, with valine, which is neutral and non-polar, at codon 2730 of the VPS13A protein (p.Ala2730Val). This variant is present in population databases (rs756369475, gnomAD 0.02%). This variant has not been reported in the literature in individuals affected with VPS13A-related conditions. Advanced modeling of protein sequence and biophysical properties (such as structural, functional, and spatial information, amino acid conservation, physicochemical variation, residue mobility, and thermodynamic stability) performed at Invitae indicates that this missense variant is not expected to disrupt VPS13A protein function with a negative predictive value of 80%. In summary, the available evidence is currently insufficient to determine the role of this variant in disease. Therefore, it has been classified as a Variant of Uncertain Significance.